The following is an entry in ClinVar:

ClinVar aggregate classification (germline): Uncertain significance. Review status: criteria provided, multiple submitters, no conflicts (2 of 4 stars). 2 submissions from 2 submitters: Uncertain significance (2). Last evaluated 2024-01-24.

Conditions:
Inborn genetic diseases. Identifiers: MedGen C0950123, MeSH D030342.

Submissions (2):

Ambry Genetics
Classification: Uncertain significance for Inborn genetic diseases. Last evaluated: 2024-01-24. Review status: criteria provided, single submitter. Criteria: Ambry Variant Classification Scheme 2023. Collection method: clinical testing. Allele origin: germline.

GeneDx
Classification: Uncertain significance. Last evaluated: 2023-06-06. Review status: criteria provided, single submitter. Criteria: GeneDx Variant Classification Process June 2021. Collection method: clinical testing. Allele origin: germline. Affected: yes.
Comment: Not observed at significant frequency in large population cohorts (gnomAD); In silico analysis supports that this missense variant has a deleterious effect on protein structure/function; Has not been previously published as pathogenic or benign to our knowledge

NM_015922.3(NSDHL):c.964C>G (p.Pro322Ala)

Gene: NSDHL (NAD(P) dependent 3-beta-hydroxysteroid dehydrogenase NSDHL; plus strand). Cytogenetic location: Xq28.
Variant type: single nucleotide variant.
Coding change: c.964C>G on transcript NM_015922.3 (MANE Select); coding-DNA position 964, C replaced by G.
Protein change: p.Pro322Ala; replaces proline 322 with alanine.
Molecular consequence: missense variant.
Genome position (GRCh38, 1-based): chrX:152,868,958, C>G. VCF-style: chrX-152868958-C-G. GRCh37 (hg19) VCF-style: chrX-152037502-C-G.
Other names: c.964C>G, p.Pro322Ala (NM_001129765.2); short protein forms P322A.
Identifiers: ClinVar variation 3202343 (VCV003202343.2), dbSNP rs2521818791, ClinGen allele CA415287396.